The following is an entry in ClinVar:

ClinVar aggregate classification (germline): Pathogenic (1 of 4 stars; one submission).

Conditions:
SLC35A2-congenital disorder of glycosylation. Also called: DEVELOPMENTAL AND EPILEPTIC ENCEPHALOPATHY 22; SLC35A2-CDG; CONGENITAL DISORDER OF GLYCOSYLATION, TYPE IIm; CDG IIm; CONGENITAL DISORDER OF GLYCOSYLATION, TYPE IIm, SOMATIC MOSAIC; EPILEPTIC ENCEPHALOPATHY, EARLY INFANTILE, 22. Identifiers: Orphanet 356961, MedGen C3806688, MONDO:0010478, OMIM 300896.

Submission:

Baylor Genetics
Classification: Pathogenic for SLC35A2-congenital disorder of glycosylation. Last evaluated: 2019-03-01. Review status: criteria provided, single submitter. Criteria: ACMG Guidelines, 2015. Collection method: clinical testing. Allele origin: de novo. Affected: yes.
Comment: This variant was determined to be pathogenic according to ACMG Guidelines, 2015 [PMID:25741868].

NM_005660.3(SLC35A2):c.340A>T (p.Lys114Ter)

Gene: SLC35A2 (solute carrier family 35 member A2; minus strand). Cytogenetic location: Xp11.23.
Variant type: single nucleotide variant.
Coding change: c.340A>T on transcript NM_005660.3 (MANE Select); coding-DNA position 340, A replaced by T.
Protein change: p.Lys114Ter; replaces lysine 114 with a stop codon.
Molecular consequence: nonsense.
Genome position (GRCh38, 1-based): chrX:48,906,478, T>A on the plus strand (A>T on the coding strand, the complement: SLC35A2 is on the minus strand). VCF-style: chrX-48906478-T-A. GRCh37 (hg19) VCF-style: chrX-48763755-T-A.
Other names: c.340A>T, p.Lys114Ter (NM_001032289.3, NM_001042498.3, NM_001282647.2); c.268A>T, p.Lys90Ter (NM_001282648.2); c.157A>T, p.Lys53Ter (NM_001282649.2); c.379A>T, p.Lys127Ter (NM_001282650.2); c.424A>T, p.Lys142Ter (NM_001282651.2); short protein forms K114*, K142*, K127*, K53*, K90*.
Identifiers: ClinVar variation 1030061 (VCV001030061.1), dbSNP rs2063491273, ClinGen allele CA412896705.